The following is an entry in ClinVar:

GRCh38/hg38 Xq21.33(chrX:97669841-98038562)x0

Variant type: copy number loss.
Change: copy number 0 of chrX:97,669,841-98,038,562 (368.7 kb, GRCh38 coordinates, 1-based), cytogenetic band Xq21.33.
Identifiers: ClinVar variation 57231 (VCV000057231.1).

ClinVar aggregate classification (germline): Uncertain significance (1 of 4 stars; one submission).

Submission:

ISCA site 4
Classification: Uncertain significance. Last evaluated: 2011-08-12. Review status: criteria provided, single submitter. Criteria: Kaminsky et al. (Genet Med. 2011). Collection method: clinical testing. Allele origin: unknown. Affected: yes. Observed: 1 variant allele.
Comment: Copy number variation identified through the course of routine clinical cytogenomic testing in postnatal populations. Clinical assertions have been curated as described in Kaminsky et al. 2011.